The following is an entry in ClinVar:

ClinVar aggregate classification (germline): Uncertain significance (1 of 4 stars; one submission).

gnomAD v4.1: 4 of 1,614,190 alleles (0.00025%); highest among the groups gnomAD compares: Admixed American, 0.0033%; no homozygotes.

Submission:

Dasa
Classification: Uncertain significance. Last evaluated: 2026-05-27. Review status: criteria provided, single submitter. Criteria: DASA Assertion Criteria. Collection method: clinical testing. Allele origin: germline.
Comment: NM_000271.5(NPC1):c.2986A>C (p.Met996Leu) is a missense variant that results in the substitution of methionine with leucine. This variant is rare in population databases. The currently available literature and clinical evidence are not sufficient to establish a definitive association between this variant and the reported condition. Therefore, this variant is classified as a variant of uncertain significance.

NM_000271.5(NPC1):c.2986A>C (p.Met996Leu)

Gene: NPC1 (NPC intracellular cholesterol transporter 1; minus strand). Cytogenetic location: 18q11.2.
Variant type: single nucleotide variant.
Coding change: c.2986A>C on transcript NM_000271.5 (MANE Select); coding-DNA position 2986, A replaced by C.
Protein change: p.Met996Leu; replaces methionine 996 with leucine.
Molecular consequence: missense variant.
Genome position (GRCh38, 1-based): chr18:23,538,597, T>G on the plus strand (A>C on the coding strand, the complement: NPC1 is on the minus strand). VCF-style: chr18-23538597-T-G. GRCh37 (hg19) VCF-style: chr18-21118561-T-G.
Other names: short protein forms M996L.
Identifiers: ClinVar variation 5020475 (VCV005020475.1).